The following is an entry in ClinVar:

ClinVar aggregate classification (germline): Uncertain significance (1 of 4 stars; one submission).

Allele frequency attached by ClinVar (database versions not stated): gnomAD exomes below 0.00001; TOPMed below 0.00001; gnomAD 0.00001.
gnomAD v4.1: 3 of 1,613,490 alleles (0.00019%); highest among the groups gnomAD compares: Non-Finnish European, 0.000085%; no homozygotes.

Submission:

Labcorp Genetics (formerly Invitae), Labcorp
Classification: Uncertain significance. Last evaluated: 2023-08-17. Review status: criteria provided, single submitter. Criteria: Invitae Variant Classification Sherloc (09022015). Collection method: clinical testing. Allele origin: germline.
Comment: This variant is present in population databases (no rsID available, gnomAD 0.005%). This sequence change replaces threonine, which is neutral and polar, with isoleucine, which is neutral and non-polar, at codon 479 of the COL9A3 protein (p.Thr479Ile). This variant has not been reported in the literature in individuals affected with COL9A3-related conditions. ClinVar contains an entry for this variant (Variation ID: 1369044). Advanced modeling of protein sequence and biophysical properties (such as structural, functional, and spatial information, amino acid conservation, physicochemical variation, residue mobility, and thermodynamic stability) performed at Invitae indicates that this missense variant is not expected to disrupt COL9A3 protein function. In summary, the available evidence is currently insufficient to determine the role of this variant in disease. Therefore, it has been classified as a Variant of Uncertain Significance.

NM_001853.4(COL9A3):c.1436C>T (p.Thr479Ile)

Genes: COL9A3 (collagen type IX alpha 3 chain; plus strand), LOC126863084 (MED14-independent group 3 enhancer GRCh37_chr20:61467141-61468340; plus strand). Cytogenetic location: 20q13.33.
Variant type: single nucleotide variant.
Coding change: c.1436C>T on transcript NM_001853.4 (MANE Select); coding-DNA position 1436, C replaced by T.
Protein change: p.Thr479Ile; replaces threonine 479 with isoleucine.
Molecular consequence: missense variant.
Genome position (GRCh38, 1-based): chr20:62,836,221, C>T. VCF-style: chr20-62836221-C-T. GRCh37 (hg19) VCF-style: chr20-61467573-C-T.
Other names: short protein forms T479I.
Identifiers: ClinVar variation 1369044 (VCV001369044.6), dbSNP rs1310865185, ClinGen allele CA409597029.
Genomic context (GRCh38, chr20:62,836,221, plus strand): 5'-ACCCACCTTCCTCTGTTCCTCTGCAGTCTGGCAGTCGAGGGGAGCTGGGCCCCAAAGGCA[C>T]CCAGGGTCCCAACGGCACCAGCGGTGTTCAGGGTGTCCCCGGGCCCCCCGGTCCTCTGGG-3'
Protein context (NP_001844.3, residues 469-489): GSRGELGPKG[Thr479Ile]QGPNGTSGVQ